The following is an entry in ClinVar:

NM_001395656.1(ROBO2):c.*2634T>C

Gene: ROBO2 (roundabout guidance receptor 2; plus strand). Cytogenetic location: 3p12.3.
Variant type: single nucleotide variant.
Coding change: c.*2634T>C on transcript NM_001395656.1 (MANE Select); 2634 bases downstream of the stop codon, T replaced by C.
Molecular consequence: 3 prime UTR variant.
Genome position (GRCh38, 1-based): chr3:77,648,689, T>C. VCF-style: chr3-77648689-T-C. GRCh37 (hg19) VCF-style: chr3-77697840-T-C.
Other names: c.*2634T>C (NM_001128929.3, NM_001290039.2, NM_001290040.2 and 14 more transcripts); c.*2631T>C (NM_001378194.1, NM_001378196.1, NM_001378199.1 and 3 more transcripts).
Identifiers: ClinVar variation 901577 (VCV000901577.5), dbSNP rs191745849, ClinGen allele CA77534280.

ClinVar aggregate classification (germline): Benign (1 of 4 stars; one submission).

Conditions:
Vesicoureteral reflux 2 (VUR2). Identifiers: Orphanet 289365, MedGen C1970483, MONDO:0012573, OMIM 610878.

Allele frequency attached by ClinVar (database versions not stated): TOPMed 0.00017; 1000 Genomes Project 30x 0.00031; 1000 Genomes Project 0.00040; gnomAD 0.00113 and 0.00120.

Submission:

Illumina Laboratory Services, Illumina
Classification: Benign for Vesicoureteral reflux 2. Last evaluated: 2018-01-13. Review status: criteria provided, single submitter. Criteria: ICSL Variant Classification Criteria 13 December 2019. Collection method: clinical testing. Allele origin: germline.
Comment: This variant was observed in the ICSL laboratory as part of a predisposition screen in an ostensibly healthy population. It had not been previously curated by ICSL or reported in the Human Gene Mutation Database (HGMD: prior to June 1st, 2018), and was therefore a candidate for classification through an automated scoring system. Utilizing variant allele frequency, disease prevalence and penetrance estimates, and inheritance mode, an automated score was calculated to assess if this variant is too frequent to cause the disease. Based on the score and internal cut-off values, a variant classified as benign is not then subjected to further curation. The score for this variant resulted in a classification of benign for this disease.